The following is an entry in ClinVar:

ClinVar aggregate classification (germline): Pathogenic. Review status: criteria provided, multiple submitters, no conflicts (2 of 4 stars). 2 submissions from 2 submitters: Pathogenic (2). Last evaluated 2025-12-01.

Conditions:
Myopathy, lactic acidosis, and sideroblastic anemia. Also called: Mitochondrial myopathy and sideroblastic anemia; Myopathy with lactic acidosis and sideroblastic anemia. Identifiers: Orphanet 2598, MedGen C1838103, MONDO:0000863.

Submissions (2):

Natera, Inc.
Classification: Pathogenic for Mitochondrial myopathy and sideroblastic anemia. Last evaluated: 2025-12-01. Review status: criteria provided, single submitter. Criteria: Natera Variant Classification Schema (03/2026). Collection method: clinical testing. Allele origin: germline.
Comment: The c.460C>T variant in PUS1 is a nonsense variant predicted to introduce a stop codon at amino acid 154. This variant is expected to result in nonsense mediated decay, truncation, or a dysfunctional protein product. This variant is rare in the general population with a frequency below the threshold expected for the associated phenotype(s). This variant has been observed in one or more individuals affected with the associated recessive disease, as either homozygous or compound heterozygous with a second variant (PMID: 19731322). Given the available evidence, this variant is classified as Pathogenic.

Labcorp Genetics (formerly Invitae), Labcorp
Classification: Pathogenic. Last evaluated: 2022-01-16. Review status: criteria provided, single submitter. Criteria: Invitae Variant Classification Sherloc (09022015). Collection method: clinical testing. Allele origin: germline.
Comment: This sequence change creates a premature translational stop signal (p.Gln154*) in the PUS1 gene. It is expected to result in an absent or disrupted protein product. Loss-of-function variants in PUS1 are known to be pathogenic (PMID: 17056637, 19731322, 25058219, 26556812). For these reasons, this variant has been classified as Pathogenic. This premature translational stop signal has been observed in individual(s) with congenital sideroblastic anemia (PMID: 19731322). This variant is not present in population databases (gnomAD no frequency).

Literature cited by the submitters: PubMed 19731322 (cited by Natera, Inc. and Labcorp Genetics (formerly Invitae), Labcorp); PubMed 17056637 (cited by Labcorp Genetics (formerly Invitae), Labcorp); PubMed 25058219 (cited by Labcorp Genetics (formerly Invitae), Labcorp); PubMed 26556812 (cited by Labcorp Genetics (formerly Invitae), Labcorp).

NM_025215.6(PUS1):c.460C>T (p.Gln154Ter)

Gene: PUS1 (pseudouridine synthase 1; plus strand). Cytogenetic location: 12q24.33.
Variant type: single nucleotide variant.
Coding change: c.460C>T on transcript NM_025215.6 (MANE Select); coding-DNA position 460, C replaced by T.
Protein change: p.Gln154Ter; replaces glutamine 154 with a stop codon.
Molecular consequence: nonsense.
Genome position (GRCh38, 1-based): chr12:131,939,191, C>T. VCF-style: chr12-131939191-C-T. GRCh37 (hg19) VCF-style: chr12-132423736-C-T.
Other names: c.376C>T, p.Gln126Ter (NM_001002019.3, NM_001002020.3); c.460C>T (NM_025215.5); short protein forms Q154*, Q126*.
Identifiers: ClinVar variation 2137450 (VCV002137450.7), dbSNP rs2540870188, ClinGen allele CA387298469.